The following is an entry in ClinVar:

NM_012282.4(KCNE5):c.220G>C (p.Ala74Pro)

Gene: KCNE5 (potassium voltage-gated channel subfamily E regulatory subunit 5; minus strand). Cytogenetic location: Xq23.
Variant type: single nucleotide variant.
Coding change: c.220G>C on transcript NM_012282.4 (MANE Select); coding-DNA position 220, G replaced by C.
Protein change: p.Ala74Pro; replaces alanine 74 with proline.
Molecular consequence: missense variant.
Genome position (GRCh38, 1-based): chrX:109,624,801, C>G on the plus strand (G>C on the coding strand, the complement: KCNE5 is on the minus strand). VCF-style: chrX-109624801-C-G. GRCh37 (hg19) VCF-style: chrX-108868030-C-G.
Other names: short protein forms A74P.
Identifiers: ClinVar variation 3862725 (VCV003862725.1).
Genomic context (GRCh38, chrX:109,624,801, plus strand): 5'-GCTCGTCCTTGGCCTCGACGAGCTTACGGGAGCGGGTGTAGGCCAGGATGAGGCCTCCGG[C>G]CAAGCAGGCGTAGAAGATCATGATGAGCAGGATGTAGAGATAGGCGTCGTCGCCCTTGGC-3'
Protein context (NP_036414.1, residues 64-84): LLIMIFYACL[Ala74Pro]GGLILAYTRS

ClinVar aggregate classification (germline): Uncertain significance (1 of 4 stars; one submission).

gnomAD v4.1: 1 of 1,212,242 alleles (0.000082%); highest among the groups gnomAD compares: South Asian, 0.0018%; no homozygotes.

Submission:

Ambry Genetics
Classification: Uncertain significance. Last evaluated: 2025-03-13. Review status: criteria provided, single submitter. Criteria: Ambry Variant Classification Scheme 2023. Collection method: clinical testing. Allele origin: germline.
Comment: The p.A74P variant (also known as c.220G>C), located in coding exon 1 of the KCNE5 gene, results from a G to C substitution at nucleotide position 220. The alanine at codon 74 is replaced by proline, an amino acid with highly similar properties. This amino acid position is conserved. In addition, the in silico prediction for this alteration is inconclusive. Based on the available evidence, the clinical significance of this variant remains unclear.